The following is an entry in ClinVar:

NM_003924.4(PHOX2B):c.161C>A (p.Thr54Lys)

Genes: PHOX2B (paired like homeobox 2B; minus strand), PHOX2B-AS1 (PHOX2B antisense RNA 1; plus strand). Cytogenetic location: 4p13.
Variant type: single nucleotide variant.
Coding change: c.161C>A on transcript NM_003924.4 (MANE Select); coding-DNA position 161, C replaced by A.
Protein change: p.Thr54Lys; replaces threonine 54 with lysine.
Molecular consequence: missense variant. On other transcripts: non-coding transcript variant (1).
Genome position (GRCh38, 1-based): chr4:41,748,450, G>T on the plus strand (C>A on the coding strand, the complement: PHOX2B is on the minus strand). VCF-style: chr4-41748450-G-T. GRCh37 (hg19) VCF-style: chr4-41750467-G-T.
Other names: short protein forms T54K.
Identifiers: ClinVar variation 5026515 (VCV005026515.1).

ClinVar aggregate classification (germline): Uncertain significance (1 of 4 stars; one submission).

Conditions:
Hereditary cancer-predisposing syndrome. Also called: Neoplastic Syndromes, Hereditary; Tumor predisposition; Hereditary neoplastic syndrome; Hereditary Cancer Syndrome. Identifiers: Orphanet 140162, MedGen C0027672, MeSH D009386, MONDO:0015356.

gnomAD v4.1: 5 of 1,614,018 alleles (0.00031%); highest among the groups gnomAD compares: South Asian, 0.0011%; no homozygotes.

Submission:

Ambry Genetics
Classification: Uncertain significance for Hereditary cancer-predisposing syndrome. Last evaluated: 2026-07-06. Review status: criteria provided, single submitter. Criteria: Ambry Variant Classification Scheme 2023. Collection method: clinical testing. Allele origin: germline.
Comment: The p.T54K variant (also known as c.161C>A), located in coding exon 1 of the PHOX2B gene, results from a C to A substitution at nucleotide position 161. The threonine at codon 54 is replaced by lysine, an amino acid with similar properties. This amino acid position is conserved. In addition, the in silico prediction for this alteration is inconclusive. Based on the available evidence, the clinical significance of this variant remains unclear.